The following is an entry in ClinVar:

ClinVar aggregate classification (germline): Conflicting classifications of pathogenicity. Review status: criteria provided, conflicting classifications (1 of 4 stars). 2 submissions from 2 submitters: Uncertain significance (1); Likely benign (1). Last evaluated 2025-09-16.

Conditions:
Hereditary cancer-predisposing syndrome. Also called: Hereditary Cancer Syndrome; Neoplastic Syndromes, Hereditary; Hereditary neoplastic syndrome; Tumor predisposition. Identifiers: Orphanet 140162, MedGen C0027672, MeSH D009386, MONDO:0015356.
Cardiovascular phenotype. Identifiers: MedGen CN230736.
Neurofibromatosis, type 1 (NF1). Also called: Peripheral type neurofibromatosis; Neurofibromatosis, type I; NEUROFIBROMATOSIS, TYPE I, SOMATIC; VON RECKLINGHAUSEN DISEASE. Identifiers: Orphanet 636, MedGen C0027831, MONDO:0018975, OMIM 162200. Disease mechanism: loss of function.

Allele frequency attached by ClinVar (database versions not stated): gnomAD exomes below 0.00001.
gnomAD v4.1: 2 of 1,614,114 alleles (0.00012%); highest among the groups gnomAD compares: Non-Finnish European, 0.00017%; no homozygotes.

Submissions (2):

Ambry Genetics
Classification: Likely benign for Cardiovascular phenotype; Hereditary cancer-predisposing syndrome. Last evaluated: 2025-09-16. Review status: criteria provided, single submitter. Criteria: Ambry Variant Classification Scheme 2023. Collection method: clinical testing. Allele origin: germline.

Labcorp Genetics (formerly Invitae), Labcorp
Classification: Uncertain significance for Neurofibromatosis, type 1. Last evaluated: 2024-05-15. Review status: criteria provided, single submitter. Criteria: Invitae Variant Classification Sherloc (09022015). Collection method: clinical testing. Allele origin: germline.
Comment: This sequence change replaces serine, which is neutral and polar, with glycine, which is neutral and non-polar, at codon 2789 of the NF1 protein (p.Ser2789Gly). This variant is not present in population databases (gnomAD no frequency). This variant has not been reported in the literature in individuals affected with NF1-related conditions. ClinVar contains an entry for this variant (Variation ID: 822330). Advanced modeling of protein sequence and biophysical properties (such as structural, functional, and spatial information, amino acid conservation, physicochemical variation, residue mobility, and thermodynamic stability) performed at Invitae indicates that this missense variant is not expected to disrupt NF1 protein function with a negative predictive value of 95%. In summary, the available evidence is currently insufficient to determine the role of this variant in disease. Therefore, it has been classified as a Variant of Uncertain Significance.

NM_001042492.3(NF1):c.8428A>G (p.Ser2810Gly)

Gene: NF1 (neurofibromin 1; plus strand). Cytogenetic location: 17q11.2.
Variant type: single nucleotide variant.
Coding change: c.8428A>G on transcript NM_001042492.3 (MANE Select); coding-DNA position 8428, A replaced by G.
Protein change: p.Ser2810Gly; replaces serine 2810 with glycine.
Molecular consequence: missense variant.
Genome position (GRCh38, 1-based): chr17:31,374,063, A>G. VCF-style: chr17-31374063-A-G. GRCh37 (hg19) VCF-style: chr17-29701081-A-G.
Other names: c.8365A>G, p.Ser2789Gly (NM_000267.4); short protein forms S2789G, S2810G.
Identifiers: ClinVar variation 822330 (VCV000822330.8), dbSNP rs1597883071, ClinGen allele CA399205956.